The following is an entry in ClinVar:

NM_000195.5(HPS1):c.1969C>T (p.Arg657Cys)

Gene: HPS1 (HPS1 biogenesis of lysosomal organelles complex 3 subunit 1; minus strand). Cytogenetic location: 10q24.2.
Variant type: single nucleotide variant.
Coding change: c.1969C>T on transcript NM_000195.5 (MANE Select); coding-DNA position 1969, C replaced by T.
Protein change: p.Arg657Cys; replaces arginine 657 with cysteine.
Molecular consequence: missense variant.
Genome position (GRCh38, 1-based): chr10:98,417,698, G>A on the plus strand (C>T on the coding strand, the complement: HPS1 is on the minus strand). VCF-style: chr10-98417698-G-A. GRCh37 (hg19) VCF-style: chr10-100177455-G-A.
Other names: c.1969C>T (NM_000195.3, NM_000195.4); c.997C>T, p.Arg333Cys (NM_001311345.2, NM_001322487.2, NM_001322489.2); c.1969C>T, p.Arg657Cys (NM_001322476.2, NM_001322477.2); c.1870C>T, p.Arg624Cys (NM_001322478.2, NM_001322479.2); c.1708C>T, p.Arg570Cys (NM_001322480.2, NM_001322481.2); c.1609C>T, p.Arg537Cys (NM_001322482.2); c.1600C>T, p.Arg534Cys (NM_001322483.2, NM_001322484.2); c.1501C>T, p.Arg501Cys (NM_001322485.2); short protein forms R333C, R534C, R624C, R501C, R537C, R570C, R657C.
Identifiers: ClinVar variation 2185464 (VCV002185464.3), dbSNP rs780093504, ClinGen allele CA5638811.

ClinVar aggregate classification (germline): Uncertain significance. Review status: criteria provided, multiple submitters, no conflicts (2 of 4 stars). 3 submissions from 3 submitters: Uncertain significance (3). Last evaluated 2026-05-29.

Conditions:
Inborn genetic diseases. Identifiers: MedGen C0950123, MeSH D030342.
HPS1-related disorder. Also called: HPS1-related condition.

Allele frequency attached by ClinVar (database versions not stated): TOPMed below 0.00001; gnomAD 0.00002; ExAC 0.00003.
gnomAD v4.1: 29 of 1,613,792 alleles (0.0018%); highest among the groups gnomAD compares: East Asian, 0.0045%; no homozygotes.

Submissions (3):

PreventionGenetics, part of Exact Sciences
Classification: Uncertain significance for HPS1-related condition. Last evaluated: 2026-05-29. Review status: criteria provided, single submitter. Criteria: ACMG Guidelines, 2015. Collection method: clinical testing. Allele origin: germline.
Comment: The HPS1 c.1969C>T variant is predicted to result in the amino acid substitution p.Arg657Cys. To our knowledge, this variant has not been reported in the literature. This variant is reported in 0.0065% of alleles in individuals of South Asian descent in gnomAD and is classified as uncertain in ClinVar (Variation ID: 2185464). At this time, the clinical significance of this variant is uncertain due to the absence of conclusive functional and genetic evidence.

Ambry Genetics
Classification: Uncertain significance for Inborn genetic diseases. Last evaluated: 2023-11-13. Review status: criteria provided, single submitter. Criteria: Ambry Variant Classification Scheme 2023. Collection method: clinical testing. Allele origin: germline.

Labcorp Genetics (formerly Invitae), Labcorp
Classification: Uncertain significance. Last evaluated: 2022-05-10. Review status: criteria provided, single submitter. Criteria: Invitae Variant Classification Sherloc (09022015). Collection method: clinical testing. Allele origin: germline.
Comment: This sequence change replaces arginine, which is basic and polar, with cysteine, which is neutral and slightly polar, at codon 657 of the HPS1 protein (p.Arg657Cys). This variant is present in population databases (rs780093504, gnomAD 0.006%). This variant has not been reported in the literature in individuals affected with HPS1-related conditions. Algorithms developed to predict the effect of missense changes on protein structure and function are either unavailable or do not agree on the potential impact of this missense change (SIFT: "Tolerated"; PolyPhen-2: "Possibly Damaging"; Align-GVGD: "Class C0"). In summary, the available evidence is currently insufficient to determine the role of this variant in disease. Therefore, it has been classified as a Variant of Uncertain Significance.